The following is an entry in ClinVar:

NM_020822.3(KCNT1):c.3119T>C (p.Ile1040Thr)

Gene: KCNT1 (potassium sodium-activated channel subfamily T member 1; plus strand). Cytogenetic location: 9q34.3.
Variant type: single nucleotide variant.
Coding change: c.3119T>C on transcript NM_020822.3 (MANE Select); coding-DNA position 3119, T replaced by C.
Protein change: p.Ile1040Thr; replaces isoleucine 1040 with threonine.
Molecular consequence: missense variant.
Genome position (GRCh38, 1-based): chr9:135,784,852, T>C. VCF-style: chr9-135784852-T-C. GRCh37 (hg19) VCF-style: chr9-138676698-T-C.
Other names: c.2984T>C, p.Ile995Thr (NM_001272003.2); short protein forms I1040T, I995T.
Identifiers: ClinVar variation 1718145 (VCV001718145.6), dbSNP rs2491088276, ClinGen allele CA375518225.

ClinVar aggregate classification (germline): Uncertain significance (1 of 4 stars; one submission).

Conditions:
Developmental and epileptic encephalopathy, 14 (DEE14). Also called: Early infantile epileptic encephalopathy 14. Identifiers: Orphanet 293181, MedGen C3554195, MONDO:0013989, OMIM 614959.
Autosomal dominant nocturnal frontal lobe epilepsy 5. Also called: KCNT1-Related Epilepsy; Epilepsy, nocturnal frontal lobe, 5; CILIARY DYSKINESIA, PRIMARY, 28, WITHOUT SITUS INVERSUS; CILIARY DYSKINESIA, PRIMARY, 28, WITH SITUS INVERSUS. Identifiers: Orphanet 98784, MedGen C3554306, MONDO:0014002, OMIM 615005.

Submission:

Labcorp Genetics (formerly Invitae), Labcorp
Classification: Uncertain significance for Autosomal dominant nocturnal frontal lobe epilepsy 5; Developmental and epileptic encephalopathy, 14. Last evaluated: 2022-11-23. Review status: criteria provided, single submitter. Criteria: Invitae Variant Classification Sherloc (09022015). Collection method: clinical testing. Allele origin: germline.
Comment: This sequence change replaces isoleucine, which is neutral and non-polar, with threonine, which is neutral and polar, at codon 1040 of the KCNT1 protein (p.Ile1040Thr). This variant is not present in population databases (gnomAD no frequency). This variant has not been reported in the literature in individuals affected with KCNT1-related conditions. Advanced modeling of protein sequence and biophysical properties (such as structural, functional, and spatial information, amino acid conservation, physicochemical variation, residue mobility, and thermodynamic stability) performed at Invitae indicates that this missense variant is expected to disrupt KCNT1 protein function. In summary, the available evidence is currently insufficient to determine the role of this variant in disease. Therefore, it has been classified as a Variant of Uncertain Significance.